The following is an entry in ClinVar:

NM_024675.4(PALB2):c.2716T>G (p.Trp906Gly)

Gene: PALB2 (partner and localizer of BRCA2; minus strand). Cytogenetic location: 16p12.2.
Variant type: single nucleotide variant.
Coding change: c.2716T>G on transcript NM_024675.4 (MANE Select); coding-DNA position 2716, T replaced by G.
Protein change: p.Trp906Gly; replaces tryptophan 906 with glycine.
Molecular consequence: missense variant.
Genome position (GRCh38, 1-based): chr16:23,626,268, A>C on the plus strand (T>G on the coding strand, the complement: PALB2 is on the minus strand). VCF-style: chr16-23626268-A-C. GRCh37 (hg19) VCF-style: chr16-23637589-A-C.
Other names: short protein forms W906G.
Identifiers: ClinVar variation 936625 (VCV000936625.10), dbSNP rs587782815, ClinGen allele CA395121885.

ClinVar aggregate classification (germline): Uncertain significance (1 of 4 stars; one submission).

Conditions:
Familial cancer of breast. Also called: BREAST CANCER, FAMILIAL; Hereditary breast cancer; hereditary breast carcinoma. Identifiers: Orphanet 227535, MedGen C0346153, MONDO:0016419, OMIM 114480. Disease mechanism: loss of function.

Submission:

Labcorp Genetics (formerly Invitae), Labcorp
Classification: Uncertain significance for Familial cancer of breast. Last evaluated: 2019-08-29. Review status: criteria provided, single submitter. Criteria: Invitae Variant Classification Sherloc (09022015). Collection method: clinical testing. Allele origin: germline.
Comment: In summary, the available evidence is currently insufficient to determine the role of this variant in disease. Therefore, it has been classified as a Variant of Uncertain Significance. Algorithms developed to predict the effect of missense changes on protein structure and function (SIFT, PolyPhen-2, Align-GVGD) all suggest that this variant is likely to be disruptive, but these predictions have not been confirmed by published functional studies and their clinical significance is uncertain. This variant has not been reported in the literature in individuals with PALB2-related conditions. This variant is not present in population databases (ExAC no frequency). This sequence change replaces tryptophan with glycine at codon 906 of the PALB2 protein (p.Trp906Gly). The tryptophan residue is highly conserved and there is a large physicochemical difference between tryptophan and glycine.